The following is an entry in ClinVar:

ClinVar aggregate classification (germline): Uncertain significance (1 of 4 stars; one submission).

Conditions:
Hereditary spastic paraplegia 11. Also called: SPASTIC PARAPLEGIA, AUTOSOMAL RECESSIVE, COMPLICATED, WITH THIN CORPUS CALLOSUM; SPASTIC PARAPLEGIA, AUTOSOMAL RECESSIVE, WITH MENTAL IMPAIRMENT AND THIN CORPUS CALLOSUM; Spastic paraplegia, mental retardation and thin corpus callosum; Nakamura Osame syndrome; Autosomal recessive hereditary spastic paraplegia, mental impairment, and thin corpus callosum; Spastic Paraplegia 11. Identifiers: Orphanet 2822, MedGen C1858479, MONDO:0011445, OMIM 604360.

Submission:

Labcorp Genetics (formerly Invitae), Labcorp
Classification: Uncertain significance for Hereditary spastic paraplegia 11. Last evaluated: 2018-10-30. Review status: criteria provided, single submitter. Criteria: Invitae Variant Classification Sherloc (09022015). Collection method: clinical testing. Allele origin: germline.
Comment: In summary, the available evidence is currently insufficient to determine the role of this variant in disease. Therefore, it has been classified as a Variant of Uncertain Significance. Algorithms developed to predict the effect of sequence changes on RNA splicing suggest that this variant may create or strengthen a splice site, but this prediction has not been confirmed by published transcriptional studies. Algorithms developed to predict the effect of missense changes on protein structure and function are either unavailable or do not agree on the potential impact of this missense change (SIFT: "Deleterious"; PolyPhen-2: "Probably Damaging"; Align-GVGD: "Class C0"). This variant has not been reported in the literature in individuals with SPG11-related disease. This variant is not present in population databases (ExAC no frequency). This sequence change replaces isoleucine with asparagine at codon 149 of the SPG11 protein (p.Ile149Asn). The isoleucine residue is weakly conserved and there is a large physicochemical difference between isoleucine and asparagine.

NM_025137.4(SPG11):c.446T>A (p.Ile149Asn)

Gene: SPG11 (SPG11 vesicle trafficking associated, spatacsin; minus strand). Cytogenetic location: 15q21.1.
Variant type: single nucleotide variant.
Coding change: c.446T>A on transcript NM_025137.4 (MANE Select); coding-DNA position 446, T replaced by A.
Protein change: p.Ile149Asn; replaces isoleucine 149 with asparagine.
Molecular consequence: missense variant.
Genome position (GRCh38, 1-based): chr15:44,659,300, A>T on the plus strand (T>A on the coding strand, the complement: SPG11 is on the minus strand). VCF-style: chr15-44659300-A-T. GRCh37 (hg19) VCF-style: chr15-44951498-A-T.
Other names: c.446T>A, p.Ile149Asn (NM_001160227.2); short protein forms I149N.
Identifiers: ClinVar variation 656134 (VCV000656134.8), dbSNP rs1595938156, ClinGen allele CA392238040.
Genomic context (GRCh38, chr15:44,659,300, plus strand): 5'-TTGATGAACAGTAATGATGTGTTATTGTGAAATGACAGGATTCTCAAAGACAATAAGGAA[A>T]TACCTACAAAACAAAAGGATATTATTTCAAACTCATTGGTCACAATTTTACAACTGGTAC-3'
Protein context (NP_079413.3, residues 139-159): QKLIDDQDIS[Ile149Asn]SLLSLRILSF